The following is an entry in ClinVar:

NM_001369369.1(FOXN1):c.83T>C (p.Met28Thr)

Gene: FOXN1 (forkhead box N1; plus strand). Cytogenetic location: 17q11.2.
Variant type: single nucleotide variant.
Coding change: c.83T>C on transcript NM_001369369.1 (MANE Select); coding-DNA position 83, T replaced by C.
Protein change: p.Met28Thr; replaces methionine 28 with threonine.
Molecular consequence: missense variant.
Genome position (GRCh38, 1-based): chr17:28,524,052, T>C. VCF-style: chr17-28524052-T-C. GRCh37 (hg19) VCF-style: chr17-26851070-T-C.
Other names: c.83T>C, p.Met28Thr (NM_003593.3); short protein forms M28T.
Identifiers: ClinVar variation 3697223 (VCV003697223.2).
Genomic context (GRCh38, chr17:28,524,052, plus strand): 5'-AGTCTGACGTCACGCTGCCGGGCCCCACCAGACTGGAGGGCGAGCGCCAAGGGGACCTCA[T>C]GCAGGCACCGGGCCTCCCAGGCTCCCCTGCCCCACAGAGTGTAAGTACCCGGCATCTGGG-3'
Protein context (NP_001356298.1, residues 18-38): RLEGERQGDL[Met28Thr]QAPGLPGSPA

ClinVar aggregate classification (germline): Uncertain significance (1 of 4 stars; one submission).

Conditions:
T-cell immunodeficiency, congenital alopecia, and nail dystrophy. Also called: Congenital alopecia and nail dystrophy associated with severe functional T-cell immunodeficiency; Pignata Guarino syndrome. Identifiers: Orphanet 169095, MedGen C1866426, MONDO:0011132, OMIM 601705.

gnomAD v4.1: 10 of 1,611,004 alleles (0.00062%); highest among the groups gnomAD compares: Non-Finnish European, 0.00076%; no homozygotes.

Submission:

Labcorp Genetics (formerly Invitae), Labcorp
Classification: Uncertain significance for T-cell immunodeficiency, congenital alopecia, and nail dystrophy. Last evaluated: 2024-02-28. Review status: criteria provided, single submitter. Criteria: Invitae Variant Classification Sherloc (09022015). Collection method: clinical testing. Allele origin: germline.
Comment: This sequence change replaces methionine, which is neutral and non-polar, with threonine, which is neutral and polar, at codon 28 of the FOXN1 protein (p.Met28Thr). This variant is present in population databases (no rsID available, gnomAD 0.0009%). This variant has not been reported in the literature in individuals affected with FOXN1-related conditions. An algorithm developed to predict the effect of missense changes on protein structure and function (PolyPhen-2) suggests that this variant is likely to be disruptive. In summary, the available evidence is currently insufficient to determine the role of this variant in disease. Therefore, it has been classified as a Variant of Uncertain Significance.